The following is an entry in ClinVar:

NM_000071.3(CBS):c.210-1G>C

Gene: CBS (cystathionine beta-synthase; minus strand). Cytogenetic location: 21q22.3.
Variant type: single nucleotide variant.
Coding change: c.210-1G>C on transcript NM_000071.3 (MANE Select); the canonical splice acceptor site of the intron before coding-DNA position 210, G replaced by C.
Molecular consequence: splice acceptor variant.
Genome position (GRCh38, 1-based): chr21:43,068,616, C>G on the plus strand (G>C on the coding strand, the complement: CBS is on the minus strand). VCF-style: chr21-43068616-C-G. GRCh37 (hg19) VCF-style: chr21-44488726-C-G.
Other names: c.210-1G>C (NM_001320298.2, NM_001178009.3, NM_001178008.3 and 1 more transcripts).
Identifiers: ClinVar variation 1501269 (VCV001501269.8), dbSNP rs2146414477, ClinGen allele CA410602207.
Genomic context (GRCh38, chr21:43,068,616, plus strand): 5'-ACCATAGGGGTGTCCCCGATTTTCTTCAGAATATCTGGCAAGATTTTTGGAGATTTTGCC[C>G]TGAAACAGAGGAGTCCACAATTATTCAGGAAAAAAAAAAAAAATAGTACCAGCCCTGGCA-3'

ClinVar aggregate classification (germline): Pathogenic/Likely pathogenic. Review status: criteria provided, multiple submitters, no conflicts (2 of 4 stars). 3 submissions from 3 submitters: Pathogenic (2); Likely pathogenic (1). Last evaluated 2026-01-22.

Conditions:
Classic homocystinuria. Also called: HOMOCYSTINURIA WITH OR WITHOUT RESPONSE TO PYRIDOXINE; Homocystinuria due to Cystathionine Beta-Synthase Deficiency; Homocystinuria due to CBS deficiency; Cystathionine beta-synthase deficiency; CBS deficiency. Identifiers: Orphanet 394, MedGen C0751202, MONDO:0009352, OMIM 236200.
HYPERHOMOCYSTEINEMIA, THROMBOTIC, CBS-RELATED. Identifiers: MedGen C3150344, OMIM 236200.

Submissions (3):

Natera, Inc.
Classification: Pathogenic for Homocystinuria due to cystathionine beta-synthase deficiency. Last evaluated: 2026-01-22. Review status: criteria provided, single submitter. Criteria: Natera Variant Classification Schema (03/2026). Collection method: clinical testing. Allele origin: germline.
Comment: The c.210-1G>C variant in CBS is a canonical splice acceptor site variant predicted to affect pre-mRNA splicing, which may result in an abnormal transcript and altered protein product. This variant is expected to result in nonsense mediated decay, truncation, or a dysfunctional protein product. This variant is rare in the general population with a frequency below the threshold expected for the associated phenotype(s). This variant has been observed in one or more individuals affected with the associated recessive disease, as either homozygous or compound heterozygous with a second variant (PMID: 11359213). Additionally, this variant has been observed to segregate in affected family members (PMID: 11359213). Given the available evidence, this variant is classified as Pathogenic.

Baylor Genetics
Classification: Pathogenic for Classic homocystinuria. Last evaluated: 2022-06-29. Review status: criteria provided, single submitter. Criteria: ACMG Guidelines, 2015. Collection method: clinical testing. Allele origin: unknown.

Labcorp Genetics (formerly Invitae), Labcorp
Classification: Likely pathogenic for HYPERHOMOCYSTEINEMIA, THROMBOTIC, CBS-RELATED. Last evaluated: 2021-09-15. Review status: criteria provided, single submitter. Criteria: Invitae Variant Classification Sherloc (09022015). Collection method: clinical testing. Allele origin: germline.
Comment: Studies have shown that disruption of this splice site results in a frameshift (c.210_235del26), which introduces a new termination codon (PMID: 11359213). However the mRNA is not expected to undergo nonsense-mediated decay. This sequence change affects an acceptor splice site in intron 3 of the CBS gene. RNA analysis indicates that this variant induces altered splicing and likely disrupts the C-terminus of the protein. This variant is not present in population databases (ExAC no frequency). Disruption of this splice site has been observed in individual(s) with homocystinuria (PMID: 11359213). This variant is also known as IVS1-1G>C. In summary, the currently available evidence indicates that the variant is pathogenic, but additional data are needed to prove that conclusively. Therefore, this variant has been classified as Likely Pathogenic.

Literature cited by the submitters: PubMed 11359213 (cited by Natera, Inc. and Labcorp Genetics (formerly Invitae), Labcorp).